The following is an entry in ClinVar:

ClinVar aggregate classification (germline): Benign/Likely benign. Review status: criteria provided, multiple submitters, no conflicts (2 of 4 stars). 2 submissions from 2 submitters: Benign (1); Likely benign (1). Last evaluated 2026-01-18.

Conditions:
Cyclical neutropenia. Also called: Cyclic hematopoiesis; Cyclic Neutropenia. Identifiers: Orphanet 2686, MedGen C0221023, MONDO:0008090, OMIM 162800, HP:0040289. Disease mechanism: loss of function.
Neutropenia, severe congenital, 1, autosomal dominant. Identifiers: MedGen C1859966, MONDO:0042490, OMIM 202700.

Allele frequency attached by ClinVar (database versions not stated): TOPMed below 0.00001; ExAC 0.00001; gnomAD exomes 0.00001 and 0.00003.
gnomAD v4.1: 37 of 1,597,722 alleles (0.0023%); highest among the groups gnomAD compares: Non-Finnish European, 0.003%; no homozygotes.

Submissions (2):

Labcorp Genetics (formerly Invitae), Labcorp
Classification: Likely benign for Neutropenia, severe congenital, 1, autosomal dominant; Cyclical neutropenia. Last evaluated: 2026-01-18. Review status: criteria provided, single submitter. Criteria: Invitae Variant Classification Sherloc (09022015). Collection method: clinical testing. Allele origin: germline.

GeneDx
Classification: Benign. Last evaluated: 2011-09-09. Review status: criteria provided, single submitter. Criteria: GeneDx Variant Classification (06012015). Collection method: clinical testing. Allele origin: germline. Affected: yes.
Comment: This variant is considered likely benign or benign based on one or more of the following criteria: it is a conservative change, it occurs at a poorly conserved position in the protein, it is predicted to be benign by multiple in silico algorithms, and/or has population frequency not consistent with disease.

NM_001972.4(ELANE):c.126C>T (p.Pro42=)

Gene: ELANE (elastase, neutrophil expressed; plus strand). Cytogenetic location: 19p13.3.
Variant type: single nucleotide variant.
Coding change: c.126C>T on transcript NM_001972.4 (MANE Select); coding-DNA position 126, C replaced by T.
Protein change: p.Pro42=; no amino-acid change (proline 42 retained).
Molecular consequence: synonymous variant.
Genome position (GRCh38, 1-based): chr19:852,934, C>T. VCF-style: chr19-852934-C-T. GRCh37 (hg19) VCF-style: chr19-852934-C-T.
Other names: p.P42P:CCC>CCT; c.126C>T (LRG_57t1).
Identifiers: ClinVar variation 137198 (VCV000137198.3), dbSNP rs587780933, ClinGen allele CA290719.
Genomic context (GRCh38, chr19:852,934, plus strand): 5'-AGGCACCGCGCTGGCCTCGGAGATTGTGGGGGGCCGGCGAGCGCGGCCCCACGCGTGGCC[C>T]TTCATGGTGTCCCTGCAGCTGCGCGGAGGCCACTTCTGCGGCGCCACCCTGATTGCGCCC-3'
Protein context (NP_001963.1, residues 32-52): GGRRARPHAW[Pro42=]FMVSLQLRGG